The following is an entry in ClinVar:

NM_032188.3(KAT8):c.188G>C (p.Cys63Ser)

Gene: KAT8 (lysine acetyltransferase 8; plus strand). Cytogenetic location: 16p11.2.
Variant type: single nucleotide variant.
Coding change: c.188G>C on transcript NM_032188.3 (MANE Select); coding-DNA position 188, G replaced by C.
Protein change: p.Cys63Ser; replaces cysteine 63 with serine.
Molecular consequence: missense variant.
Genome position (GRCh38, 1-based): chr16:31,117,869, G>C. VCF-style: chr16-31117869-G-C. GRCh37 (hg19) VCF-style: chr16-31129190-G-C.
Other names: c.188G>C, p.Cys63Ser (NM_182958.4); short protein forms C63S.
Identifiers: ClinVar variation 2214946 (VCV002214946.2), dbSNP rs2544159539, ClinGen allele CA395666185.

ClinVar aggregate classification (germline): Uncertain significance (1 of 4 stars; one submission).

Conditions:
Inborn genetic diseases. Identifiers: MedGen C0950123, MeSH D030342.

Submission:

Ambry Genetics
Classification: Uncertain significance for Inborn genetic diseases. Last evaluated: 2021-09-14. Review status: criteria provided, single submitter. Criteria: Ambry Variant Classification Scheme 2023. Collection method: clinical testing. Allele origin: germline.
Comment: The c.188G>C (p.C63S) alteration is located in exon 1 (coding exon 1) of the KAT8 gene. This alteration results from a G to C substitution at nucleotide position 188, causing the cysteine (C) at amino acid position 63 to be replaced by a serine (S). This variant was not reported in population-based cohorts in the Genome Aggregation Database (gnomAD). This amino acid position is highly conserved in available vertebrate species. The in silico prediction for this alteration is inconclusive. Based on insufficient or conflicting evidence, the clinical significance of this alteration remains unclear.